The following is an entry in ClinVar:

NM_006231.4(POLE):c.4843G>T (p.Asp1615Tyr)

Gene: POLE (DNA polymerase epsilon, catalytic subunit; minus strand). Cytogenetic location: 12q24.33.
Variant type: single nucleotide variant.
Coding change: c.4843G>T on transcript NM_006231.4 (MANE Select); coding-DNA position 4843, G replaced by T.
Protein change: p.Asp1615Tyr; replaces aspartic acid 1615 with tyrosine.
Molecular consequence: missense variant.
Genome position (GRCh38, 1-based): chr12:132,642,615, C>A on the plus strand (G>T on the coding strand, the complement: POLE is on the minus strand). VCF-style: chr12-132642615-C-A. GRCh37 (hg19) VCF-style: chr12-133219201-C-A.
Other names: short protein forms D1615Y.
Identifiers: ClinVar variation 2093025 (VCV002093025.4), dbSNP rs1565937674, ClinGen allele CA387378200.

ClinVar aggregate classification (germline): Uncertain significance (1 of 4 stars; one submission).

Submission:

Labcorp Genetics (formerly Invitae), Labcorp
Classification: Uncertain significance. Last evaluated: 2022-04-11. Review status: criteria provided, single submitter. Criteria: Invitae Variant Classification Sherloc (09022015). Collection method: clinical testing. Allele origin: germline.
Comment: This sequence change replaces aspartic acid, which is acidic and polar, with tyrosine, which is neutral and polar, at codon 1615 of the POLE protein (p.Asp1615Tyr). This variant is not present in population databases (gnomAD no frequency). This variant has not been reported in the literature in individuals affected with POLE-related conditions. Algorithms developed to predict the effect of missense changes on protein structure and function (SIFT, PolyPhen-2, Align-GVGD) all suggest that this variant is likely to be disruptive. In summary, the available evidence is currently insufficient to determine the role of this variant in disease. Therefore, it has been classified as a Variant of Uncertain Significance.